The following is an entry in ClinVar:

NM_003072.5(SMARCA4):c.1778A>G (p.Glu593Gly)

Gene: SMARCA4 (SWI/SNF related BAF chromatin remodeling complex subunit ATPase 4; plus strand). Cytogenetic location: 19p13.2.
Variant type: single nucleotide variant.
Coding change: c.1778A>G on transcript NM_003072.5 (MANE Select); coding-DNA position 1778, A replaced by G.
Protein change: p.Glu593Gly; replaces glutamic acid 593 with glycine.
Molecular consequence: missense variant. On other transcripts: non-coding transcript variant (1).
Genome position (GRCh38, 1-based): chr19:10,996,510, A>G. VCF-style: chr19-10996510-A-G. GRCh37 (hg19) VCF-style: chr19-11107186-A-G.
Other names: c.1778A>G, p.Glu593Gly (NM_001128844.3, NM_001128845.2, NM_001128846.2 and 6 more transcripts); short protein forms E593G.
Identifiers: ClinVar variation 4549646 (VCV004549646.1).

ClinVar aggregate classification (germline): Uncertain significance (1 of 4 stars; one submission).

Conditions:
Hereditary cancer-predisposing syndrome. Also called: Tumor predisposition; Hereditary Cancer Syndrome; Hereditary neoplastic syndrome; Neoplastic Syndromes, Hereditary. Identifiers: Orphanet 140162, MedGen C0027672, MeSH D009386, MONDO:0015356.

Submission:

Ambry Genetics
Classification: Uncertain significance for Hereditary cancer-predisposing syndrome. Last evaluated: 2025-11-04. Review status: criteria provided, single submitter. Criteria: Ambry Variant Classification Scheme 2023. Collection method: clinical testing. Allele origin: germline.
Comment: The p.E593G variant (also known as c.1778A>G), located in coding exon 10 of the SMARCA4 gene, results from an A to G substitution at nucleotide position 1778. The glutamic acid at codon 593 is replaced by glycine, an amino acid with similar properties. This amino acid position is conserved. In addition, the in silico prediction for this alteration is inconclusive. Based on the available evidence, the clinical significance of this variant remains unclear.